The following is an entry in ClinVar:

NM_001374736.1(DST):c.12903+8del

Gene: DST (dystonin; minus strand). Cytogenetic location: 6p12.1.
Variant type: Deletion.
Coding change: c.12903+8del on transcript NM_001374736.1 (MANE Select); 8 bases into the intron after coding-DNA position 12903, one base deleted (G; older notation c.12903+8delG).
Molecular consequence: intron variant.
Genome position (GRCh38, 1-based): chr6:56,592,174, C deleted on the plus strand (G on the coding strand, the reverse complement: DST is on the minus strand). VCF-style (leftmost placement, unchanged base first): chr6-56592173-GC-G. GRCh37 (hg19) VCF-style: chr6-56456971-GC-G.
Other names: c.6546+8del (NM_001144769.5); c.12903+8del (NM_001374722.1); c.12930+8del (NM_001374734.1); c.6132+8del (NM_001144770.2); c.6012+8del (NM_001374730.1, NM_001386100.1, NM_183380.4); c.12270+8del (NM_001374729.1); c.5034+8del (NM_015548.5).
Identifiers: ClinVar variation 1994764 (VCV001994764.4), dbSNP rs2536122105, ClinGen allele CA2580075568.
Genomic context (GRCh38, chr6:56,592,173, plus strand): 5'-AAAAGTGTGAGAAATTGGAAGCCTTTCAGTAAGACTACTGGAAATGTGGATCTTTCTCTC[GC>G]TTTTTACCTTGGTCTCTTCTAATTGCCTTTGAAGATTTTTGGGGTCCACCGCAATAGGTT-3'

ClinVar aggregate classification (germline): Uncertain significance (1 of 4 stars; one submission).

Conditions:
Epidermolysis bullosa simplex 3, localized or generalized intermediate, with BP230 deficiency (EBS3). Also called: Epidermolysis bullosa simplex, autosomal recessive 2; Epidermolysis bullosa simplex due to BP230 deficiency. Identifiers: Orphanet 412181, MedGen C3809470, MONDO:0014180, OMIM 615425.
Hereditary sensory and autonomic neuropathy type 6. Also called: Neuropathy, hereditary sensory and autonomic, type VI; HSAN VI. Identifiers: Orphanet 314381, MedGen C3539003, MONDO:0013839, OMIM 614653.

Allele frequency attached by ClinVar (database versions not stated): gnomAD exomes below 0.00001.

Submission:

Labcorp Genetics (formerly Invitae), Labcorp
Classification: Uncertain significance for Epidermolysis bullosa simplex 3, localized or generalized intermediate, with BP230 deficiency; Hereditary sensory and autonomic neuropathy type 6. Last evaluated: 2022-05-15. Review status: criteria provided, single submitter. Criteria: Invitae Variant Classification Sherloc (09022015). Collection method: clinical testing. Allele origin: germline.
Comment: Experimental studies and prediction algorithms are not available or were not evaluated, and the effect of this variant on mRNA splicing is currently unknown. The DST gene has multiple clinically relevant transcripts. This variant occurs in alternate transcript NM_015548.4, and corresponds to NM_001723.5:c.*23343del in the primary transcript. This sequence change falls in intron 30 of the DST gene. It does not directly change the encoded amino acid sequence of the DST protein. This variant is not present in population databases (gnomAD no frequency). This variant has not been reported in the literature in individuals affected with DST-related conditions. In summary, the available evidence is currently insufficient to determine the role of this variant in disease. Therefore, it has been classified as a Variant of Uncertain Significance.